The following is an entry in ClinVar:

ClinVar aggregate classification (germline): Uncertain significance (1 of 4 stars; one submission).

Allele frequency attached by ClinVar (database versions not stated): gnomAD exomes below 0.00001.
gnomAD v4.1: 1 of 1,613,832 alleles (0.000062%); highest among the groups gnomAD compares: East Asian, 0.0022%; no homozygotes.

Submission:

Labcorp Genetics (formerly Invitae), Labcorp
Classification: Uncertain significance. Last evaluated: 2022-01-17. Review status: criteria provided, single submitter. Criteria: Invitae Variant Classification Sherloc (09022015). Collection method: clinical testing. Allele origin: germline.
Comment: In summary, the available evidence is currently insufficient to determine the role of this variant in disease. Therefore, it has been classified as a Variant of Uncertain Significance. Algorithms developed to predict the effect of missense changes on protein structure and function (SIFT, PolyPhen-2, Align-GVGD) all suggest that this variant is likely to be disruptive. This variant has not been reported in the literature in individuals affected with C5-related conditions. This variant is not present in population databases (gnomAD no frequency). This sequence change replaces proline, which is neutral and non-polar, with leucine, which is neutral and non-polar, at codon 584 of the C5 protein (p.Pro584Leu).

NM_001735.3(C5):c.1751C>T (p.Pro584Leu)

Gene: C5 (complement C5; minus strand). Cytogenetic location: 9q33.2.
Variant type: single nucleotide variant.
Coding change: c.1751C>T on transcript NM_001735.3 (MANE Select); coding-DNA position 1751, C replaced by T.
Protein change: p.Pro584Leu; replaces proline 584 with leucine.
Molecular consequence: missense variant.
Genome position (GRCh38, 1-based): chr9:121,017,477, G>A on the plus strand (C>T on the coding strand, the complement: C5 is on the minus strand). VCF-style: chr9-121017477-G-A. GRCh37 (hg19) VCF-style: chr9-123779755-G-A.
Other names: c.1769C>T, p.Pro590Leu (NM_001317163.2); c.1751C>T, p.Pro584Leu (NM_001317164.2); short protein forms P584L, P590L.
Identifiers: ClinVar variation 1913658 (VCV001913658.5), dbSNP rs2540429449, ClinGen allele CA374748098.
Genomic context (GRCh38, chr9:121,017,477, plus strand): 5'-GCTGCTAATGCCACCCAGGAATCCATTCCAGTTGCCATATTAAGAGACACAGTTTGGCCT[G>A]GAGAATATGCATCTGCATCAGGAGACAGATGAACCTAAAAGTTCATTTGAAAAAGAAAAG-3'
Protein context (NP_001726.2, residues 574-594): HLSPDADAYS[Pro584Leu]GQTVSLNMAT